The following is an entry in ClinVar:

ClinVar aggregate classification (germline): Uncertain significance (1 of 4 stars; one submission).

gnomAD v4.1: 4 of 1,551,686 alleles (0.00026%); highest among the groups gnomAD compares: Non-Finnish European, 0.00035%; no homozygotes.

Submission:

GeneDx
Classification: Uncertain significance. Last evaluated: 2023-02-16. Review status: criteria provided, single submitter. Criteria: GeneDx Variant Classification Process June 2021. Collection method: clinical testing. Allele origin: germline. Affected: yes.
Comment: Not observed at significant frequency in large population cohorts (gnomAD); In silico analysis supports that this missense variant does not alter protein structure/function; Has not been previously published as pathogenic or benign to our knowledge

NM_001134363.3(RBM20):c.517C>T (p.Pro173Ser)

Gene: RBM20 (RNA binding motif protein 20; plus strand). Cytogenetic location: 10q25.2.
Variant type: single nucleotide variant.
Coding change: c.517C>T on transcript NM_001134363.3 (MANE Select); coding-DNA position 517, C replaced by T.
Protein change: p.Pro173Ser; replaces proline 173 with serine.
Molecular consequence: missense variant.
Genome position (GRCh38, 1-based): chr10:110,781,126, C>T. VCF-style: chr10-110781126-C-T. GRCh37 (hg19) VCF-style: chr10-112540884-C-T.
Other names: short protein forms P173S.
Identifiers: ClinVar variation 2576769 (VCV002576769.1), dbSNP rs7908490, ClinGen allele CA378380898.